The following is an entry in ClinVar:

NM_020964.3(EPG5):c.315A>T (p.Glu105Asp)

Gene: EPG5 (ectopic P-granules 5 autophagy tethering factor; minus strand). Cytogenetic location: 18q21.1.
Variant type: single nucleotide variant.
Coding change: c.315A>T on transcript NM_020964.3 (MANE Select); coding-DNA position 315, A replaced by T.
Protein change: p.Glu105Asp; replaces glutamic acid 105 with aspartic acid.
Molecular consequence: missense variant.
Genome position (GRCh38, 1-based): chr18:45,955,087, T>A on the plus strand (A>T on the coding strand, the complement: EPG5 is on the minus strand). VCF-style: chr18-45955087-T-A. GRCh37 (hg19) VCF-style: chr18-43535053-T-A.
Other names: c.315A>T, p.Glu105Asp (NM_001410858.1, NM_001410859.1); short protein forms E105D.
Identifiers: ClinVar variation 2446069 (VCV002446069.1), dbSNP rs776334139, ClinGen allele CA402351991.

ClinVar aggregate classification (germline): Uncertain significance (1 of 4 stars; one submission).

Allele frequency attached by ClinVar (database versions not stated): TOPMed 0.00001.

Submission:

GeneDx
Classification: Uncertain significance. Last evaluated: 2022-09-22. Review status: criteria provided, single submitter. Criteria: GeneDx Variant Classification Process June 2021. Collection method: clinical testing. Allele origin: germline. Affected: yes.
Comment: Not observed at significant frequency in large population cohorts (gnomAD); In silico analysis supports that this missense variant does not alter protein structure/function; Has not been previously published as pathogenic or benign to our knowledge